The following is an entry in ClinVar:

NM_002381.5(MATN3):c.1219A>G (p.Ser407Gly)

Genes: MATN3 (matrilin 3; minus strand), WDR35-DT (WDR35 divergent transcript; plus strand). Cytogenetic location: 2p24.1.
Variant type: single nucleotide variant.
Coding change: c.1219A>G on transcript NM_002381.5 (MANE Select); coding-DNA position 1219, A replaced by G.
Protein change: p.Ser407Gly; replaces serine 407 with glycine.
Molecular consequence: missense variant.
Genome position (GRCh38, 1-based): chr2:19,997,209, T>C on the plus strand (A>G on the coding strand, the complement: MATN3 is on the minus strand). VCF-style: chr2-19997209-T-C. GRCh37 (hg19) VCF-style: chr2-20196970-T-C.
Other names: c.1219A>G (NM_002381.4); short protein forms S407G.
Identifiers: ClinVar variation 1911992 (VCV001911992.6), dbSNP rs762839923, ClinGen allele CA1543769.

ClinVar aggregate classification (germline): Uncertain significance. Review status: criteria provided, multiple submitters, no conflicts (2 of 4 stars). 2 submissions from 2 submitters: Uncertain significance (2). Last evaluated 2025-11-01.

Conditions:
Inborn genetic diseases. Identifiers: MedGen C0950123, MeSH D030342.

Allele frequency attached by ClinVar (database versions not stated): ExAC 0.00001; gnomAD exomes 0.00001; TOPMed 0.00002; gnomAD 0.00003.
gnomAD v4.1: 13 of 1,613,634 alleles (0.00081%); highest among the groups gnomAD compares: Non-Finnish European, 0.0011%; no homozygotes.

Submissions (2):

Labcorp Genetics (formerly Invitae), Labcorp
Classification: Uncertain significance. Last evaluated: 2025-11-01. Review status: criteria provided, single submitter. Criteria: Invitae Variant Classification Sherloc (09022015). Collection method: clinical testing. Allele origin: germline.
Comment: This sequence change replaces serine, which is neutral and polar, with glycine, which is neutral and non-polar, at codon 407 of the MATN3 protein (p.Ser407Gly). The frequency data for this variant in the population databases is considered unreliable, as metrics indicate poor data quality at this position in the gnomAD database. This variant has not been reported in the literature in individuals affected with MATN3-related conditions. ClinVar contains an entry for this variant (Variation ID: 1911992). Invitae Evidence Modeling of protein sequence and biophysical properties (such as structural, functional, and spatial information, amino acid conservation, physicochemical variation, residue mobility, and thermodynamic stability) indicates that this missense variant is not expected to disrupt MATN3 protein function with a negative predictive value of 80%. In summary, the available evidence is currently insufficient to determine the role of this variant in disease. Therefore, it has been classified as a Variant of Uncertain Significance.

Ambry Genetics
Classification: Uncertain significance for Inborn genetic diseases. Last evaluated: 2025-01-18. Review status: criteria provided, single submitter. Criteria: Ambry Variant Classification Scheme 2023. Collection method: clinical testing. Allele origin: germline.